The following is an entry in ClinVar:

ClinVar aggregate classification (germline): Uncertain significance (1 of 4 stars; one submission).

Allele frequency attached by ClinVar (database versions not stated): gnomAD exomes 0.00001.
gnomAD v4.1: 9 of 1,611,166 alleles (0.00056%); highest among the groups gnomAD compares: Non-Finnish European, 0.00068%; no homozygotes.

Submission:

Labcorp Genetics (formerly Invitae), Labcorp
Classification: Uncertain significance. Last evaluated: 2022-06-02. Review status: criteria provided, single submitter. Criteria: Invitae Variant Classification Sherloc (09022015). Collection method: clinical testing. Allele origin: germline.
Comment: This sequence change affects a donor splice site in intron 21 of the PDE6B gene. While this variant is not anticipated to result in nonsense mediated decay, it likely alters RNA splicing and results in a disrupted protein product. The frequency data for this variant in the population databases is considered unreliable, as metrics indicate poor data quality at this position in the gnomAD database. Disruption of this splice site has been observed in individual(s) with retinitis pigmentosa (Invitae). In at least one individual the data is consistent with being in trans (on the opposite chromosome) from a pathogenic variant. Variants that disrupt the consensus splice site are a relatively common cause of aberrant splicing (PMID: 17576681, 9536098). Algorithms developed to predict the effect of sequence changes on RNA splicing suggest that this variant may disrupt the consensus splice site. In summary, the available evidence is currently insufficient to determine the role of this variant in disease. Therefore, it has been classified as a Variant of Uncertain Significance.

Literature cited by the submitters: PubMed 17576681; PubMed 9536098.

NM_000283.4(PDE6B):c.2503+1G>T

Gene: PDE6B (phosphodiesterase 6B; plus strand). Cytogenetic location: 4p16.3.
Variant type: single nucleotide variant.
Coding change: c.2503+1G>T on transcript NM_000283.4 (MANE Select); the canonical splice donor site of the intron after coding-DNA position 2503, G replaced by T.
Molecular consequence: splice donor variant. On other transcripts: intron variant (2).
Genome position (GRCh38, 1-based): chr4:668,007, G>T. VCF-style: chr4-668007-G-T. GRCh37 (hg19) VCF-style: chr4-661796-G-T.
Other names: c.2503+1G>T (NM_001145291.2); c.1666+1G>T (NM_001379246.1, NM_001379247.1, NM_001145292.2); c.1601+66G>T (NM_001350154.3); c.1283+66G>T (NM_001350155.3).
Identifiers: ClinVar variation 1938025 (VCV001938025.5), dbSNP rs1215002861, ClinGen allele CA355920712.